The following is an entry in ClinVar:

NM_001792.5(CDH2):c.1021A>G (p.Lys341Glu)

Gene: CDH2 (cadherin 2; minus strand). Cytogenetic location: 18q12.1.
Variant type: single nucleotide variant.
Coding change: c.1021A>G on transcript NM_001792.5 (MANE Select); coding-DNA position 1021, A replaced by G.
Protein change: p.Lys341Glu; replaces lysine 341 with glutamic acid.
Molecular consequence: missense variant.
Genome position (GRCh38, 1-based): chr18:27,993,637, T>C on the plus strand (A>G on the coding strand, the complement: CDH2 is on the minus strand). VCF-style: chr18-27993637-T-C. GRCh37 (hg19) VCF-style: chr18-25573601-T-C.
Other names: c.928A>G, p.Lys310Glu (NM_001308176.2); short protein forms K310E, K341E.
Identifiers: ClinVar variation 2586029 (VCV002586029.3), dbSNP rs1177948036, ClinGen allele CA402112015.

ClinVar aggregate classification (germline): Uncertain significance. Review status: criteria provided, multiple submitters, no conflicts (2 of 4 stars). 2 submissions from 2 submitters: Uncertain significance (2). Last evaluated 2026-01-04.

Conditions:
Inborn genetic diseases. Identifiers: MedGen C0950123, MeSH D030342.

Allele frequency attached by ClinVar (database versions not stated): gnomAD exomes 0.00001.
gnomAD v4.1: 13 of 1,605,768 alleles (0.00081%); highest among the groups gnomAD compares: Non-Finnish European, 0.0011%; no homozygotes.

Submissions (2):

Labcorp Genetics (formerly Invitae), Labcorp
Classification: Uncertain significance. Last evaluated: 2026-01-04. Review status: criteria provided, single submitter. Criteria: Invitae Variant Classification Sherloc (09022015). Collection method: clinical testing. Allele origin: germline.
Comment: This sequence change replaces lysine, which is basic and polar, with glutamic acid, which is acidic and polar, at codon 341 of the CDH2 protein (p.Lys341Glu). The frequency data for this variant in the population databases is considered unreliable, as metrics indicate poor data quality at this position in the gnomAD database. This variant has not been reported in the literature in individuals affected with CDH2-related conditions. ClinVar contains an entry for this variant (Variation ID: 2586029). An algorithm developed to predict the effect of missense changes on protein structure and function (PolyPhen-2) suggests that this variant is likely to be disruptive. In summary, the available evidence is currently insufficient to determine the role of this variant in disease. Therefore, it has been classified as a Variant of Uncertain Significance.

Ambry Genetics
Classification: Uncertain significance for Inborn genetic diseases. Last evaluated: 2023-08-03. Review status: criteria provided, single submitter. Criteria: Ambry Variant Classification Scheme 2023. Collection method: clinical testing. Allele origin: germline.
Comment: The p.K341E variant (also known as c.1021A>G) is located in coding exon 8 of the CDH2 gene. The lysine at codon 341 is replaced by glutamic acid, an amino acid with similar properties. This change occurs in the first base pair of coding exon 8. This amino acid position is conserved. In addition, the in silico prediction for this alteration is inconclusive. Since supporting evidence is limited at this time, the clinical significance of this alteration remains unclear.